The following is an entry in ClinVar:

NM_003579.4(RAD54L):c.760A>G (p.Lys254Glu)

Gene: RAD54L (RAD54 like; plus strand). Cytogenetic location: 1p34.1.
Variant type: single nucleotide variant.
Coding change: c.760A>G on transcript NM_003579.4 (MANE Select); coding-DNA position 760, A replaced by G.
Protein change: p.Lys254Glu; replaces lysine 254 with glutamic acid.
Molecular consequence: missense variant.
Genome position (GRCh38, 1-based): chr1:46,261,009, A>G. VCF-style: chr1-46261009-A-G. GRCh37 (hg19) VCF-style: chr1-46726681-A-G.
Other names: c.760A>G, p.Lys254Glu (NM_001142548.2); c.220A>G, p.Lys74Glu (NM_001370766.1); short protein forms K254E, K74E.
Identifiers: ClinVar variation 1759777 (VCV001759777.2), dbSNP rs2525670567, ClinGen allele CA340188095.
Genomic context (GRCh38, chr1:46,261,009, plus strand): 5'-CTCGGAGGGAGGATCCAACCTCTGGCCATCGATGGAGGATCTAAGGATGAAATAGACCAA[A>G]AGCTGGGTACGGAGCCCTAACAAAGATGGCTGCACTCTCCTGCACAGCCTGCTGCTTTCT-3'
Protein context (NP_003570.2, residues 244-264): DGGSKDEIDQ[Lys254Glu]LEGFMNQRGA

ClinVar aggregate classification (germline): Uncertain significance (1 of 4 stars; one submission).

Allele frequency attached by ClinVar (database versions not stated): gnomAD exomes below 0.00001.
gnomAD v4.1: 1 of 1,613,228 alleles (0.000062%); highest among the groups gnomAD compares: Non-Finnish European, 0.000085%; no homozygotes.

Submission:

Ambry Genetics
Classification: Uncertain significance. Last evaluated: 2021-10-17. Review status: criteria provided, single submitter. Criteria: Ambry Variant Classification Scheme 2023. Collection method: clinical testing. Allele origin: germline.
Comment: The p.K254E variant (also known as c.760A>G), located in coding exon 7 of the RAD54L gene, results from an A to G substitution at nucleotide position 760. The lysine at codon 254 is replaced by glutamic acid, an amino acid with similar properties. This amino acid position is conserved. In addition, the in silico prediction for this alteration is inconclusive. Since supporting evidence is limited at this time, the clinical significance of this alteration remains unclear.